The following is an entry in ClinVar:

NM_001375524.1(TRRAP):c.11081G>C (p.Gly3694Ala)

Gene: TRRAP (transformation/transcription domain associated protein; plus strand). Cytogenetic location: 7q22.1.
Variant type: single nucleotide variant.
Coding change: c.11081G>C on transcript NM_001375524.1 (MANE Select); coding-DNA position 11081, G replaced by C.
Protein change: p.Gly3694Ala; replaces glycine 3694 with alanine.
Molecular consequence: missense variant.
Genome position (GRCh38, 1-based): chr7:99,011,194, G>C. VCF-style: chr7-99011194-G-C. GRCh37 (hg19) VCF-style: chr7-98608817-G-C.
Other names: c.11039G>C, p.Gly3680Ala (NM_001244580.2); c.10952G>C, p.Gly3651Ala (NM_003496.4); short protein forms G3651A, G3680A, G3694A.
Identifiers: ClinVar variation 2443419 (VCV002443419.8), dbSNP rs2485081155, ClinGen allele CA368342655.

ClinVar aggregate classification (germline): Uncertain significance. Review status: criteria provided, multiple submitters, no conflicts (2 of 4 stars). 2 submissions from 2 submitters: Uncertain significance (2). Last evaluated 2025-04-01.

Submissions (2):

CeGaT Center for Human Genetics Tuebingen
Classification: Uncertain significance. Last evaluated: 2025-04-01. Review status: criteria provided, single submitter. Criteria: CeGaT Center For Human Genetics Tuebingen Variant Classification Criteria Version 2. Collection method: clinical testing. Allele origin: germline. Affected: yes. Observed: 1 variant allele.
Comment: TRRAP: PM2

GeneDx
Classification: Uncertain significance. Last evaluated: 2022-09-09. Review status: criteria provided, single submitter. Criteria: GeneDx Variant Classification Process June 2021. Collection method: clinical testing. Allele origin: germline. Affected: yes.
Comment: Not observed at significant frequency in large population cohorts (gnomAD); In silico analysis supports that this missense variant does not alter protein structure/function; Has not been previously published as pathogenic or benign to our knowledge